The following is an entry in ClinVar:

ClinVar aggregate classification (germline): Uncertain significance (1 of 4 stars; one submission).

Conditions:
Exostoses, multiple, type 2 (EXT2). Also called: Hereditary Multiple Osteochondromatosis, Type II; EXOSTOSES, MULTIPLE, TYPE II. Identifiers: Orphanet 321, MedGen C1851413, MONDO:0007586, OMIM 133701.

gnomAD v4.1: 2 of 1,613,990 alleles (0.00012%); highest among the groups gnomAD compares: Non-Finnish European, 0.00017%; no homozygotes.

Submission:

Labcorp Genetics (formerly Invitae), Labcorp
Classification: Uncertain significance for Exostoses, multiple, type 2. Last evaluated: 2025-05-13. Review status: criteria provided, single submitter. Criteria: Invitae Variant Classification Sherloc (09022015). Collection method: clinical testing. Allele origin: germline.
Comment: This sequence change replaces phenylalanine, which is neutral and non-polar, with leucine, which is neutral and non-polar, at codon 559 of the EXT2 protein (p.Phe559Leu). This variant is not present in population databases (gnomAD no frequency). This variant has not been reported in the literature in individuals affected with EXT2-related conditions. Invitae Evidence Modeling of protein sequence and biophysical properties (such as structural, functional, and spatial information, amino acid conservation, physicochemical variation, residue mobility, and thermodynamic stability) has been performed for this missense variant. However, the output from this modeling did not meet the statistical confidence thresholds required to predict the impact of this variant on EXT2 protein function. In summary, the available evidence is currently insufficient to determine the role of this variant in disease. Therefore, it has been classified as a Variant of Uncertain Significance.

NM_207122.2(EXT2):c.1677T>G (p.Phe559Leu)

Gene: EXT2 (exostosin glycosyltransferase 2; plus strand). Cytogenetic location: 11p11.2.
Variant type: single nucleotide variant.
Coding change: c.1677T>G on transcript NM_207122.2 (MANE Select); coding-DNA position 1677, T replaced by G.
Protein change: p.Phe559Leu; replaces phenylalanine 559 with leucine.
Molecular consequence: missense variant.
Genome position (GRCh38, 1-based): chr11:44,232,367, T>G. VCF-style: chr11-44232367-T-G. GRCh37 (hg19) VCF-style: chr11-44253917-T-G.
Other names: c.1776T>G, p.Phe592Leu (NM_000401.3); c.1707T>G, p.Phe569Leu (NM_001178083.3); c.1677T>G, p.Phe559Leu (NM_001389628.1, NM_001389630.1); short protein forms F569L, F559L, F592L.
Identifiers: ClinVar variation 4753825 (VCV004753825.1).